The following is an entry in ClinVar:

ClinVar aggregate classification (germline): Uncertain significance. Review status: criteria provided, multiple submitters, no conflicts (2 of 4 stars). 2 submissions from 2 submitters: Uncertain significance (2). Last evaluated 2025-08-20.

Allele frequency attached by ClinVar (database versions not stated): gnomAD exomes below 0.00001; ExAC 0.00003; gnomAD 0.00005; TOPMed 0.00006; ESP Exome Variant Server 0.00008.
gnomAD v4.1: 14 of 1,613,652 alleles (0.00087%); highest among the groups gnomAD compares: African/African-American, 0.012%; no homozygotes.

Submissions (2):

Labcorp Genetics (formerly Invitae), Labcorp
Classification: Uncertain significance. Last evaluated: 2025-08-20. Review status: criteria provided, single submitter. Criteria: Invitae Variant Classification Sherloc (09022015). Collection method: clinical testing. Allele origin: germline.
Comment: This sequence change replaces serine, which is neutral and polar, with phenylalanine, which is neutral and non-polar, at codon 425 of the RELB protein (p.Ser425Phe). This variant is present in population databases (rs367810360, gnomAD 0.02%). This variant has not been reported in the literature in individuals affected with RELB-related conditions. ClinVar contains an entry for this variant (Variation ID: 2420868). An algorithm developed to predict the effect of missense changes on protein structure and function (PolyPhen-2) suggests that this variant is likely to be disruptive. In summary, the available evidence is currently insufficient to determine the role of this variant in disease. Therefore, it has been classified as a Variant of Uncertain Significance.

Ambry Genetics
Classification: Uncertain significance. Last evaluated: 2023-12-28. Review status: criteria provided, single submitter. Criteria: Ambry Variant Classification Scheme 2023. Collection method: clinical testing. Allele origin: germline.

NM_006509.4(RELB):c.1274C>T (p.Ser425Phe)

Gene: RELB (RELB proto-oncogene, NF-kB subunit; plus strand). Cytogenetic location: 19q13.32.
Variant type: single nucleotide variant.
Coding change: c.1274C>T on transcript NM_006509.4 (MANE Select); coding-DNA position 1274, C replaced by T.
Protein change: p.Ser425Phe; replaces serine 425 with phenylalanine.
Molecular consequence: missense variant.
Genome position (GRCh38, 1-based): chr19:45,034,310, C>T. VCF-style: chr19-45034310-C-T. GRCh37 (hg19) VCF-style: chr19-45537568-C-T.
Other names: c.1265C>T, p.Ser422Phe (NM_001411087.1); c.1274C>T (NM_006509.3); short protein forms S422F, S425F.
Identifiers: ClinVar variation 2420868 (VCV002420868.7), dbSNP rs367810360, ClinGen allele CA9507802.